The following is an entry in ClinVar:

NM_152269.5(MTRFR):c.364G>A (p.Gly122Ser)

Gene: MTRFR (mitochondrial translation release factor in rescue; plus strand). Cytogenetic location: 12q24.31.
Variant type: single nucleotide variant.
Coding change: c.364G>A on transcript NM_152269.5 (MANE Select); coding-DNA position 364, G replaced by A.
Protein change: p.Gly122Ser; replaces glycine 122 with serine.
Molecular consequence: missense variant.
Genome position (GRCh38, 1-based): chr12:123,256,894, G>A. VCF-style: chr12-123256894-G-A. GRCh37 (hg19) VCF-style: chr12-123741441-G-A.
Other names: c.364G>A, p.Gly122Ser (NM_001143905.2, NM_001194995.1); short protein forms G122S.
Identifiers: ClinVar variation 2428126 (VCV002428126.3), dbSNP rs1403915756, ClinGen allele CA387119083.

ClinVar aggregate classification (germline): Uncertain significance (1 of 4 stars; one submission).

Conditions:
Combined oxidative phosphorylation defect type 7. Identifiers: Orphanet 254930, MedGen C3150801, MONDO:0013306, OMIM 613559.
Spastic paraplegia. Identifiers: MedGen C0037772, HP:0001258.

Allele frequency attached by ClinVar (database versions not stated): gnomAD exomes below 0.00001; gnomAD 0.00001.
gnomAD v4.1: 4 of 1,613,628 alleles (0.00025%); highest among the groups gnomAD compares: Middle Eastern, 0.033%; no homozygotes.

Submission:

Labcorp Genetics (formerly Invitae), Labcorp
Classification: Uncertain significance for Combined oxidative phosphorylation defect type 7; Spastic paraplegia. Last evaluated: 2022-06-25. Review status: criteria provided, single submitter. Criteria: Invitae Variant Classification Sherloc (09022015). Collection method: clinical testing. Allele origin: germline.
Comment: This sequence change replaces glycine, which is neutral and non-polar, with serine, which is neutral and polar, at codon 122 of the C12orf65 protein (p.Gly122Ser). This variant is not present in population databases (gnomAD no frequency). This variant has not been reported in the literature in individuals affected with C12orf65-related conditions. Algorithms developed to predict the effect of missense changes on protein structure and function are either unavailable or do not agree on the potential impact of this missense change (SIFT: "Tolerated"; PolyPhen-2: "Probably Damaging"; Align-GVGD: "Class C0"). In summary, the available evidence is currently insufficient to determine the role of this variant in disease. Therefore, it has been classified as a Variant of Uncertain Significance.